The following is an entry in ClinVar:

NM_003480.4(MFAP5):c.59-17C>A

Gene: MFAP5 (microfibril associated protein 5; minus strand). Cytogenetic location: 12p13.31.
Variant type: single nucleotide variant.
Coding change: c.59-17C>A on transcript NM_003480.4 (MANE Select); 17 bases into the intron before coding-DNA position 59, C replaced by A.
Molecular consequence: intron variant.
Genome position (GRCh38, 1-based): chr12:8,660,915, G>T on the plus strand (C>A on the coding strand, the complement: MFAP5 is on the minus strand). VCF-style: chr12-8660915-G-T. GRCh37 (hg19) VCF-style: chr12-8813511-G-T.
Other names: c.58+1132C>A (NM_001297710.2); c.59-17C>A (NM_001297711.2, NM_001297712.2, NM_001297709.2).
Identifiers: ClinVar variation 4535674 (VCV004535674.1).

ClinVar aggregate classification (germline): Likely benign (1 of 4 stars; one submission).

gnomAD v4.1: 9 of 1,606,808 alleles (0.00056%); highest among the groups gnomAD compares: Admixed American, 0.0067%; no homozygotes.

Submission:

Women's Health and Genetics/Laboratory Corporation of America, LabCorp
Classification: Likely benign. Last evaluated: 2025-09-08. Review status: criteria provided, single submitter. Criteria: LabCorp Variant Classification Summary - May 2015. Collection method: clinical testing. Allele origin: germline.
Comment: Variant summary: MFAP5 c.59-17C>A alters a nucleotide located at a position not widely known to affect splicing. Consensus agreement among computation tools predict no significant impact on normal splicing. However, these predictions have yet to be confirmed by functional studies. The variant allele was found at a frequency of 2e-05 in 250340 control chromosomes (gnomAD). The available data on variant occurrences in the general population are insufficient to allow any conclusion about variant significance. To our knowledge, no occurrence of c.59-17C>A in individuals affected with MFAP5-related conditions and no experimental evidence demonstrating its impact on protein function have been reported. No submitters have cited clinical-significance assessments for this variant to ClinVar. Based on the evidence outlined above, the variant was classified as likely benign.